The following is an entry in ClinVar:

ClinVar aggregate classification (germline): Likely benign. Review status: criteria provided, multiple submitters, no conflicts (2 of 4 stars). 4 submissions from 4 submitters: Likely benign (2). 2 of the submissions do not count toward it. Last evaluated 2024-12-23.

Conditions:
Autosomal recessive limb-girdle muscular dystrophy type 2J (LGMDR10). Also called: Limb-girdle muscular dystrophy, type 2J; MUSCULAR DYSTROPHY, LIMB-GIRDLE, AUTOSOMAL RECESSIVE 10. Identifiers: Orphanet 140922, MedGen C1837342, MONDO:0012127, OMIM 608807.
Dilated cardiomyopathy 1G (CMD1G). Identifiers: Orphanet 154, MedGen C1858763, MONDO:0011400, OMIM 604145.

Allele frequency attached by ClinVar (database versions not stated): gnomAD exomes 0.00001; TOPMed 0.00001.
gnomAD v4.1: 7 of 1,613,788 alleles (0.00043%); highest among the groups gnomAD compares: Non-Finnish European, 0.00059%; no homozygotes.

Submissions (4):

Labcorp Genetics (formerly Invitae), Labcorp
Classification: Likely benign for Dilated cardiomyopathy 1G; Autosomal recessive limb-girdle muscular dystrophy type 2J. Last evaluated: 2024-12-23. Review status: criteria provided, single submitter. Criteria: Invitae Variant Classification Sherloc (09022015). Collection method: clinical testing. Allele origin: germline.

Laboratory for Molecular Medicine, Mass General Brigham Personalized Medicine
Classification: Likely benign. Last evaluated: 2015-08-24. Review status: criteria provided, single submitter. Criteria: LMM Criteria. Collection method: clinical testing. Allele origin: germline. Observed: 1 variant allele.
Comment: p.Leu8307Leu in exon 96 of TTN: This variant is not expected to have clinical si gnificance because it does not alter an amino acid residue and is not located wi thin the splice consensus sequence.

Clinical Genetics DNA and cytogenetics Diagnostics Lab, Erasmus MC, Erasmus Medical Center
Classification: Likely benign. Review status: no assertion criteria provided. Collection method: clinical testing. Allele origin: germline. Affected: yes. Study: VKGL Data-share Consensus. Not counted in ClinVar's aggregate classification.

Clinical Genetics, Academic Medical Center
Classification: Benign. Review status: no assertion criteria provided. Collection method: clinical testing. Allele origin: germline. Affected: yes. Study: VKGL Data-share Consensus. Not counted in ClinVar's aggregate classification.

NM_001267550.2(TTN):c.28653G>C (p.Leu9551=)

Gene: TTN (titin; minus strand). Cytogenetic location: 2q31.2.
Variant type: single nucleotide variant.
Coding change: c.28653G>C on transcript NM_001267550.2 (MANE Select); coding-DNA position 28653, G replaced by C.
Protein change: p.Leu9551=; no amino-acid change (leucine 9551 retained).
Molecular consequence: synonymous variant. On other transcripts: intron variant (3).
Genome position (GRCh38, 1-based): chr2:178,709,666, C>G on the plus strand (G>C on the coding strand, the complement: TTN is on the minus strand). VCF-style: chr2-178709666-C-G. GRCh37 (hg19) VCF-style: chr2-179574393-C-G.
Other names: c.24921G>C, p.Leu8307= (NM_133378.4); c.27702G>C, p.Leu9234= (NM_001256850.1); c.13282+28416G>C (NM_003319.4); c.13858+28416G>C (NM_133437.4); c.13657+28416G>C (NM_133432.3).
Identifiers: ClinVar variation 228074 (VCV000228074.13), dbSNP rs876657601, ClinGen allele CA10576545.